The following is an entry in ClinVar:

NM_000543.5(SMPD1):c.1333G>A (p.Val445Ile)

Gene: SMPD1 (sphingomyelin phosphodiesterase 1; plus strand). Cytogenetic location: 11p15.4.
Variant type: single nucleotide variant.
Coding change: c.1333G>A on transcript NM_000543.5 (MANE Select); coding-DNA position 1333, G replaced by A.
Protein change: p.Val445Ile; replaces valine 445 with isoleucine.
Molecular consequence: missense variant. On other transcripts: non-coding transcript variant (2).
Genome position (GRCh38, 1-based): chr11:6,393,686, G>A. VCF-style: chr11-6393686-G-A. GRCh37 (hg19) VCF-style: chr11-6414916-G-A.
Other names: c.1330G>A, p.Val444Ile (NM_001007593.3); c.1333G>A, p.Val445Ile (NM_001318087.2); c.412G>A, p.Val138Ile (NM_001318088.2); c.1201G>A, p.Val401Ile (NM_001365135.2); short protein forms V401I, V444I, V445I, V138I.
Identifiers: ClinVar variation 2197894 (VCV002197894.4), dbSNP rs1848045095, ClinGen allele CA379374573.

ClinVar aggregate classification (germline): Uncertain significance (1 of 4 stars; one submission).

Conditions:
Niemann-Pick disease, type B. Also called: Chronic Visceral ASMD (Niemann-Pick Disease Type B; NPD-B). Identifiers: Orphanet 77293, MedGen C0268243, MONDO:0011871, OMIM 607616. Disease mechanism: loss of function.
Niemann-Pick disease, type A. Also called: SPHINGOMYELIN LIPIDOSIS; SPHINGOMYELINASE DEFICIENCY; Infantile Neurovisceral ASMD (Niemann-Pick Disease Type A; NPD-A). Identifiers: Orphanet 77292, MedGen C0268242, MONDO:0009756, OMIM 257200. Disease mechanism: loss of function.

Allele frequency attached by ClinVar (database versions not stated): gnomAD exomes below 0.00001; TOPMed 0.00001.

Submission:

Labcorp Genetics (formerly Invitae), Labcorp
Classification: Uncertain significance for Niemann-Pick disease, type B; Niemann-Pick disease, type A. Last evaluated: 2022-04-19. Review status: criteria provided, single submitter. Criteria: Invitae Variant Classification Sherloc (09022015). Collection method: clinical testing. Allele origin: germline.
Comment: Advanced modeling of protein sequence and biophysical properties (such as structural, functional, and spatial information, amino acid conservation, physicochemical variation, residue mobility, and thermodynamic stability) performed at Invitae indicates that this missense variant is not expected to disrupt SMPD1 protein function. This sequence change replaces valine, which is neutral and non-polar, with isoleucine, which is neutral and non-polar, at codon 445 of the SMPD1 protein (p.Val445Ile). This variant is not present in population databases (gnomAD no frequency). This variant has not been reported in the literature in individuals affected with SMPD1-related conditions. In summary, the available evidence is currently insufficient to determine the role of this variant in disease. Therefore, it has been classified as a Variant of Uncertain Significance.